The following is an entry in ClinVar:

ClinVar aggregate classification (germline): Uncertain significance. Review status: criteria provided, multiple submitters, no conflicts (2 of 4 stars). 6 submissions from 6 submitters: Uncertain significance (6). Last evaluated 2025-04-24.

Conditions:
Cardiovascular phenotype. Identifiers: MedGen CN230736.
Arrhythmogenic cardiomyopathy with wooly hair and keratoderma. Also called: Carvajal syndrome; PALMOPLANTAR KERATODERMA WITH LEFT VENTRICULAR CARDIOMYOPATHY AND WOOLLY HAIR; Dilated cardiomyopathy with woolly hair and keratoderma; Arrhythmogenic cardiomyopathy with woolly hair and keratoderma. Identifiers: Orphanet 65282, MedGen C1854063, MONDO:0011581, OMIM 605676.
Arrhythmogenic right ventricular dysplasia 8 (ARVD8). Also called: Arrhythmogenic Right Ventricular Dysplasia/Cardiomyopathy 8; ARRHYTHMOGENIC RIGHT VENTRICULAR DYSPLASIA, FAMILIAL, 8; ARRHYTHMOGENIC RIGHT VENTRICULAR CARDIOMYOPATHY 8. Identifiers: MedGen C1843896, MONDO:0011831, OMIM 607450.
Cardiomyopathy (CMYO). Also called: Cardiomyopathies. Identifiers: Orphanet 167848, MedGen C0878544, MONDO:0004994, HP:0001638. Inheritance: Various modes of inheritance.

Submissions (6):

Labcorp Genetics (formerly Invitae), Labcorp
Classification: Uncertain significance for Arrhythmogenic cardiomyopathy with wooly hair and keratoderma; Arrhythmogenic right ventricular dysplasia 8. Last evaluated: 2025-04-24. Review status: criteria provided, single submitter. Criteria: Invitae Variant Classification Sherloc (09022015). Collection method: clinical testing. Allele origin: germline.
Comment: This sequence change replaces asparagine, which is neutral and polar, with isoleucine, which is neutral and non-polar, at codon 1712 of the DSP protein (p.Asn1712Ile). This variant is not present in population databases (gnomAD no frequency). This variant has not been reported in the literature in individuals affected with DSP-related conditions. ClinVar contains an entry for this variant (Variation ID: 922544). An algorithm developed to predict the effect of missense changes on protein structure and function (PolyPhen-2) suggests that this variant is likely to be tolerated. In summary, the available evidence is currently insufficient to determine the role of this variant in disease. Therefore, it has been classified as a Variant of Uncertain Significance.

GeneDx
Classification: Uncertain significance. Last evaluated: 2025-04-02. Review status: criteria provided, single submitter. Criteria: GeneDx Variant Classification Process June 2021. Collection method: clinical testing. Allele origin: germline. Affected: yes.
Comment: Not observed at significant frequency in large population cohorts (gnomAD); In silico analysis supports that this missense variant has a deleterious effect on protein structure/function; Has not been previously published as pathogenic or benign to our knowledge

Color Diagnostics, LLC DBA Color Health
Classification: Uncertain significance for Cardiomyopathy. Last evaluated: 2024-03-06. Review status: criteria provided, single submitter. Criteria: ACMG Guidelines, 2015. Collection method: clinical testing. Allele origin: germline.
Comment: This missense variant replaces asparagine with isoleucine at codon 1712 of the DSP protein. Computational prediction suggests that this variant may not impact protein structure and function (internally defined REVEL score threshold <= 0.5, PMID: 27666373). To our knowledge, functional studies have not been reported for this variant. This variant has not been reported in individuals affected with cardiovascular disorders in the literature. This variant has not been identified in the general population by the Genome Aggregation Database (gnomAD). The available evidence is insufficient to determine the role of this variant in disease conclusively. Therefore, this variant is classified as a Variant of Uncertain Significance.

All of Us Research Program, National Institutes of Health
Classification: Uncertain significance for Arrhythmogenic cardiomyopathy with wooly hair and keratoderma. Last evaluated: 2023-12-13. Review status: criteria provided, single submitter. Criteria: ACMG Guidelines, 2015. Collection method: clinical testing. Allele origin: germline. Inheritance: Autosomal dominant inheritance. Observed: 2 variant alleles, 2 heterozygotes.
Comment: This missense variant replaces asparagine with isoleucine at codon 1712 of the DSP protein. Computational prediction suggests that this variant may not impact protein structure and function (internally defined REVEL score threshold <= 0.5, PMID: 27666373). To our knowledge, functional studies have not been reported for this variant. This variant has not been reported in individuals affected with cardiovascular disorders in the literature. This variant has not been identified in the general population by the Genome Aggregation Database (gnomAD). The available evidence is insufficient to determine the role of this variant in disease conclusively. Therefore, this variant is classified as a Variant of Uncertain Significance.

This study involves interpretation of variants in research participants for the purpose of population health screening. Participant phenotype was not available at the time of variant classification. Additional details can be found in publication PMID: 35346344, PMCID: PMC8962531

Blueprint Genetics
Classification: Uncertain significance. Last evaluated: 2023-07-28. Review status: criteria provided, single submitter. Criteria: ACMG Guidelines, 2015. Collection method: clinical testing. Allele origin: germline.

Ambry Genetics
Classification: Uncertain significance for Cardiovascular phenotype. Last evaluated: 2022-12-13. Review status: criteria provided, single submitter. Criteria: Ambry Variant Classification Scheme 2023. Collection method: clinical testing. Allele origin: germline.
Comment: The p.N1712I variant (also known as c.5135A>T), located in coding exon 23 of the DSP gene, results from an A to T substitution at nucleotide position 5135. The asparagine at codon 1712 is replaced by isoleucine, an amino acid with dissimilar properties. This amino acid position is conserved. In addition, this alteration is predicted to be tolerated by in silico analysis. Since supporting evidence is limited at this time, the clinical significance of this alteration remains unclear.

NM_004415.4(DSP):c.5135A>T (p.Asn1712Ile)

Gene: DSP (desmoplakin; plus strand). Cytogenetic location: 6p24.3.
Variant type: single nucleotide variant.
Coding change: c.5135A>T on transcript NM_004415.4 (MANE Select); coding-DNA position 5135, A replaced by T.
Protein change: p.Asn1712Ile; replaces asparagine 1712 with isoleucine.
Molecular consequence: missense variant. On other transcripts: intron variant (2).
Genome position (GRCh38, 1-based): chr6:7,581,325, A>T. VCF-style: chr6-7581325-A-T. GRCh37 (hg19) VCF-style: chr6-7581558-A-T.
Other names: c.4050+1085A>T (NM_001319034.2); c.3583-1317A>T (NM_001008844.3); short protein forms N1712I.
Identifiers: ClinVar variation 922544 (VCV000922544.11), dbSNP rs1759433132, ClinGen allele CA362687931.